The following is an entry in ClinVar:

NM_182914.3(SYNE2):c.5210A>G (p.Glu1737Gly)

Gene: SYNE2 (spectrin repeat containing nuclear envelope protein 2; plus strand). Cytogenetic location: 14q23.2.
Variant type: single nucleotide variant.
Coding change: c.5210A>G on transcript NM_182914.3 (MANE Select); coding-DNA position 5210, A replaced by G.
Protein change: p.Glu1737Gly; replaces glutamic acid 1737 with glycine.
Molecular consequence: missense variant.
Genome position (GRCh38, 1-based): chr14:64,021,373, A>G. VCF-style: chr14-64021373-A-G. GRCh37 (hg19) VCF-style: chr14-64488091-A-G.
Other names: c.5210A>G, p.Glu1737Gly (NM_015180.6); short protein forms E1737G.
Identifiers: ClinVar variation 4745447 (VCV004745447.1).

ClinVar aggregate classification (germline): Uncertain significance (1 of 4 stars; one submission).

Conditions:
Emery-Dreifuss muscular dystrophy 5, autosomal dominant (EDMD5). Also called: EMERY-DREIFUSS MUSCULAR DYSTROPHY 5. Identifiers: Orphanet 261, MedGen C2751805, MONDO:0013072, OMIM 612999.

Submission:

Labcorp Genetics (formerly Invitae), Labcorp
Classification: Uncertain significance for Emery-Dreifuss muscular dystrophy 5, autosomal dominant. Last evaluated: 2025-09-04. Review status: criteria provided, single submitter. Criteria: Invitae Variant Classification Sherloc (09022015). Collection method: clinical testing. Allele origin: germline.
Comment: This sequence change replaces glutamic acid, which is acidic and polar, with glycine, which is neutral and non-polar, at codon 1737 of the SYNE2 protein (p.Glu1737Gly). This variant is not present in population databases (gnomAD no frequency). This variant has not been reported in the literature in individuals affected with SYNE2-related conditions. An algorithm developed to predict the effect of missense changes on protein structure and function outputs the following: PolyPhen-2: "Benign". The glycine amino acid residue is found in multiple mammalian species, which suggests that this missense change does not adversely affect protein function. In summary, the available evidence is currently insufficient to determine the role of this variant in disease. Therefore, it has been classified as a Variant of Uncertain Significance.